The following is an entry in ClinVar:

ClinVar aggregate classification (germline): Uncertain significance (1 of 4 stars; one submission).

Conditions:
Immunodeficiency 39 (IMD39). Identifiers: Orphanet 574918, MedGen C4225358, MONDO:0014597, OMIM 616345.

Allele frequency attached by ClinVar (database versions not stated): TOPMed 0.00001; gnomAD 0.00001.
gnomAD v4.1: 5 of 1,580,156 alleles (0.00032%); highest among the groups gnomAD compares: Non-Finnish European, 0.00026%; no homozygotes.

Submission:

Labcorp Genetics (formerly Invitae), Labcorp
Classification: Uncertain significance for Immunodeficiency 39. Last evaluated: 2025-05-03. Review status: criteria provided, single submitter. Criteria: Invitae Variant Classification Sherloc (09022015). Collection method: clinical testing. Allele origin: germline.
Comment: This sequence change replaces threonine, which is neutral and polar, with methionine, which is neutral and non-polar, at codon 359 of the IRF7 protein (p.Thr359Met). The frequency data for this variant in the population databases is considered unreliable, as metrics indicate poor data quality at this position in the gnomAD database. This variant has not been reported in the literature in individuals affected with IRF7-related conditions. ClinVar contains an entry for this variant (Variation ID: 2893303). Invitae Evidence Modeling of protein sequence and biophysical properties (such as structural, functional, and spatial information, amino acid conservation, physicochemical variation, residue mobility, and thermodynamic stability) indicates that this missense variant is expected to disrupt IRF7 protein function with a positive predictive value of 80%. In summary, the available evidence is currently insufficient to determine the role of this variant in disease. Therefore, it has been classified as a Variant of Uncertain Significance.

NM_001572.5(IRF7):c.1037C>T (p.Thr346Met)

Gene: IRF7 (interferon regulatory factor 7; minus strand). Cytogenetic location: 11p15.5.
Variant type: single nucleotide variant.
Coding change: c.1037C>T on transcript NM_001572.5 (MANE Select); coding-DNA position 1037, C replaced by T.
Protein change: p.Thr346Met; replaces threonine 346 with methionine.
Molecular consequence: missense variant.
Genome position (GRCh38, 1-based): chr11:613,406, G>A on the plus strand (C>T on the coding strand, the complement: IRF7 is on the minus strand). VCF-style: chr11-613406-G-A. GRCh37 (hg19) VCF-style: chr11-613406-G-A.
Other names: c.950C>T, p.Thr317Met (NM_004029.4); c.1076C>T, p.Thr359Met (NM_004031.4); short protein forms T317M, T346M, T359M.
Identifiers: ClinVar variation 2893303 (VCV002893303.3), dbSNP rs983651712, ClinGen allele CA216910463.
Genomic context (GRCh38, chr11:613,406, plus strand): 5'-AGCTGTGGCCCCCGAAGCTCCAGGTGCAACCCAGGGGCCACGTGCCGCAGCAGTTCCTCC[G>A]TGTAGCGCAGCTGCTTCTGGTCCGGGAGCTCGGCAGGGCTGGGGAATGCTACCTGCTGGG-3'
Protein context (NP_001563.2, residues 336-356): ELPDQKQLRY[Thr346Met]EELLRHVAPG